The following is an entry in ClinVar:

ClinVar aggregate classification (germline): Likely benign (1 of 4 stars; one submission).

Submission:

CeGaT Center for Human Genetics Tuebingen
Classification: Likely benign. Last evaluated: 2022-08-01. Review status: criteria provided, single submitter. Criteria: CeGaT Center For Human Genetics Tuebingen Variant Classification Criteria Version 2. Collection method: clinical testing. Allele origin: germline. Affected: yes. Observed: 1 variant allele.
Comment: HIVEP2: PM2:Supporting, BP4, BP7

NM_006734.4(HIVEP2):c.4932A>T (p.Thr1644=)

Gene: HIVEP2 (HIVEP zinc finger 2; minus strand). Cytogenetic location: 6q24.2.
Variant type: single nucleotide variant.
Coding change: c.4932A>T on transcript NM_006734.4 (MANE Select); coding-DNA position 4932, A replaced by T.
Protein change: p.Thr1644=; no amino-acid change (threonine 1644 retained).
Molecular consequence: synonymous variant.
Genome position (GRCh38, 1-based): chr6:142,769,807, T>A on the plus strand (A>T on the coding strand, the complement: HIVEP2 is on the minus strand). VCF-style: chr6-142769807-T-A. GRCh37 (hg19) VCF-style: chr6-143090944-T-A.
Identifiers: ClinVar variation 1711640 (VCV001711640.30), dbSNP rs2482818256, ClinGen allele CA452711526.
Genomic context (GRCh38, chr6:142,769,807, plus strand): 5'-GGTGGCCTGTTGCACATAATTGGGTTTTGTATAATTCAAGAAGCACCAACTCACAGTAGT[T>A]GTTGTCCGCAGACTGGGGAACTGAAGAATCTGCTGGAAATCTGCCATGTCCGTGAGAAGA-3'
Protein context (NP_006725.3, residues 1634-1654): QILQFPSLRT[Thr1644=]TTVSWCFLNY